The following is an entry in ClinVar:

NM_181426.2(CCDC39):c.501T>A (p.Asp167Glu)

Gene: CCDC39 (coiled-coil domain 39 molecular ruler complex subunit; minus strand). Cytogenetic location: 3q26.33.
Variant type: single nucleotide variant.
Coding change: c.501T>A on transcript NM_181426.2 (MANE Select); coding-DNA position 501, T replaced by A.
Protein change: p.Asp167Glu; replaces aspartic acid 167 with glutamic acid.
Molecular consequence: missense variant.
Genome position (GRCh38, 1-based): chr3:180,660,585, A>T on the plus strand (T>A on the coding strand, the complement: CCDC39 is on the minus strand). VCF-style: chr3-180660585-A-T. GRCh37 (hg19) VCF-style: chr3-180378373-A-T.
Other names: short protein forms D167E.
Identifiers: ClinVar variation 1744828 (VCV001744828.2), dbSNP rs183574208, ClinGen allele CA355303080.

ClinVar aggregate classification (germline): Uncertain significance (1 of 4 stars; one submission).

Conditions:
Primary ciliary dyskinesia. Also called: Ciliary dyskinesia. Identifiers: Orphanet 244, MedGen C0008780, MONDO:0016575, HP:0012265.

Submission:

Ambry Genetics
Classification: Uncertain significance for Primary ciliary dyskinesia. Last evaluated: 2019-01-10. Review status: criteria provided, single submitter. Criteria: Ambry Variant Classification Scheme 2023. Collection method: clinical testing. Allele origin: germline.
Comment: The p.D167E variant (also known as c.501T>A), located in coding exon 4 of the CCDC39 gene, results from a T to A substitution at nucleotide position 501. The aspartic acid at codon 167 is replaced by glutamic acid, an amino acid with highly similar properties. This amino acid position is highly conserved in available vertebrate species. In addition, the in silico prediction for this alteration is inconclusive. Since supporting evidence is limited at this time, the clinical significance of this alteration remains unclear.